The following is an entry in ClinVar:

NM_004519.4(KCNQ3):c.640G>A (p.Ala214Thr)

Gene: KCNQ3 (potassium voltage-gated channel subfamily Q member 3; minus strand). Cytogenetic location: 8q24.22.
Variant type: single nucleotide variant.
Coding change: c.640G>A on transcript NM_004519.4 (MANE Select); coding-DNA position 640, G replaced by A.
Protein change: p.Ala214Thr; replaces alanine 214 with threonine.
Molecular consequence: missense variant.
Genome position (GRCh38, 1-based): chr8:132,180,294, C>T on the plus strand (G>A on the coding strand, the complement: KCNQ3 is on the minus strand). VCF-style: chr8-132180294-C-T. GRCh37 (hg19) VCF-style: chr8-133192541-C-T.
Other names: c.280G>A, p.Ala94Thr (NM_001204824.2); short protein forms A214T, A94T.
Identifiers: ClinVar variation 581829 (VCV000581829.8), dbSNP rs1563791055, ClinGen allele CA372290939.

ClinVar aggregate classification (germline): Uncertain significance (1 of 4 stars; one submission).

Conditions:
Benign neonatal seizures. Also called: Benign neonatal familial convulsions; Convulsions benign familial neonatal dominant form; Autosomal dominant form of benign neonatal seizures; Benign familial neonatal seizures; Benign familial neonatal epilepsy. Identifiers: Orphanet 1949, MedGen C0220669, MONDO:0016027.

Allele frequency attached by ClinVar (database versions not stated): gnomAD exomes below 0.00001.
gnomAD v4.1: 1 of 1,614,158 alleles (0.000062%); highest among the groups gnomAD compares: East Asian, 0.0022%; no homozygotes.

Submission:

Labcorp Genetics (formerly Invitae), Labcorp
Classification: Uncertain significance for Benign neonatal seizures. Last evaluated: 2022-07-06. Review status: criteria provided, single submitter. Criteria: Invitae Variant Classification Sherloc (09022015). Collection method: clinical testing. Allele origin: germline.
Comment: This sequence change replaces alanine, which is neutral and non-polar, with threonine, which is neutral and polar, at codon 214 of the KCNQ3 protein (p.Ala214Thr). This variant is not present in population databases (gnomAD no frequency). This variant has not been reported in the literature in individuals affected with KCNQ3-related conditions. ClinVar contains an entry for this variant (Variation ID: 581829). Advanced modeling of protein sequence and biophysical properties (such as structural, functional, and spatial information, amino acid conservation, physicochemical variation, residue mobility, and thermodynamic stability) performed at Invitae indicates that this missense variant is expected to disrupt KCNQ3 protein function. In summary, the available evidence is currently insufficient to determine the role of this variant in disease. Therefore, it has been classified as a Variant of Uncertain Significance.